The following is an entry in ClinVar:

ClinVar aggregate classification (germline): Uncertain significance (1 of 4 stars; one submission).

Conditions:
Charcot-Marie-Tooth disease axonal type 2O. Also called: CHARCOT-MARIE-TOOTH NEUROPATHY, AXONAL, TYPE 2O; CHARCOT-MARIE-TOOTH DISEASE, AXONAL, AUTOSOMAL DOMINANT, TYPE 2O; Charcot-Marie-Tooth Neuropathy Type 2O; Charcot-Marie-Tooth disease, axonal, type 20. Identifiers: Orphanet 284232, MedGen C3280220, MONDO:0013644, OMIM 614228.

gnomAD v4.1: 1 of 1,614,210 alleles (0.000062%); highest among the groups gnomAD compares: Non-Finnish European, 0.000085%; no homozygotes.

Submission:

MVZ Medizinische Genetik Mainz
Classification: Uncertain significance for Charcot-Marie-Tooth disease axonal type 2O. Last evaluated: 2025-10-09. Review status: criteria provided, single submitter. Criteria: UK Practice Guidelines For Variant Classification V4 01 2020. Collection method: clinical testing. Allele origin: germline. Inheritance: Autosomal dominant inheritance. Affected: yes. Observed: 1 variant allele.
Comment: ACMG Criteria: PM1_SUP,PM2_SUP,PP2

NM_001376.5(DYNC1H1):c.3244C>T (p.Leu1082Phe)

Gene: DYNC1H1 (dynein cytoplasmic 1 heavy chain 1; plus strand). Cytogenetic location: 14q32.31.
Variant type: single nucleotide variant.
Coding change: c.3244C>T on transcript NM_001376.5 (MANE Select); coding-DNA position 3244, C replaced by T.
Protein change: p.Leu1082Phe; replaces leucine 1082 with phenylalanine.
Molecular consequence: missense variant.
Genome position (GRCh38, 1-based): chr14:101,994,760, C>T. VCF-style: chr14-101994760-C-T. GRCh37 (hg19) VCF-style: chr14-102461097-C-T.
Other names: short protein forms L1082F.
Identifiers: ClinVar variation 4532220 (VCV004532220.1).